The following is an entry in ClinVar:

ClinVar aggregate classification (germline): Benign. Review status: criteria provided, multiple submitters, no conflicts (2 of 4 stars). 7 submissions from 6 submitters: Benign (7). Last evaluated 2026-01-25.

Conditions:
Lethal Kniest-like syndrome (DDSH). Also called: Dyssegmental Dysplasia. Identifiers: Orphanet 1865, MedGen C1857100, MONDO:0009140, OMIM 224410.
Schwartz-Jampel syndrome. Also called: Myotonic myopathy dwarfism chondrodystrophy and ocular and facial abnormalities. Identifiers: Orphanet 800, MedGen C0036391, MONDO:0009717.

Allele frequency attached by ClinVar (database versions not stated): gnomAD exomes 0.00190 and 0.00534; ExAC 0.00644; gnomAD 0.01905 and 0.02028; ESP Exome Variant Server 0.02038; TOPMed 0.02234; 1000 Genomes Project 0.02736; 1000 Genomes Project 30x 0.02951.
gnomAD v4.1: 5,800 of 1,614,188 alleles (0.36%); highest among the groups gnomAD compares: African/African-American, 6.7%; 205 homozygotes.

Submissions (7):

Labcorp Genetics (formerly Invitae), Labcorp
Classification: Benign. Last evaluated: 2026-01-25. Review status: criteria provided, single submitter. Criteria: Invitae Variant Classification Sherloc (09022015). Collection method: clinical testing. Allele origin: germline.

Athena Diagnostics
Classification: Benign. Last evaluated: 2024-02-06. Review status: criteria provided, single submitter. Criteria: Athena Diagnostics Criteria. Collection method: clinical testing. Allele origin: unknown.

ARUP Laboratories, Molecular Genetics and Genomics, ARUP Laboratories
Classification: Benign. Last evaluated: 2023-09-13. Review status: criteria provided, single submitter. Criteria: ARUP Molecular Germline Variant Investigation Process 2024. Collection method: clinical testing. Allele origin: germline.

GeneDx
Classification: Benign. Last evaluated: 2019-01-13. Review status: criteria provided, single submitter. Criteria: GeneDx Variant Classification Process June 2021. Collection method: clinical testing. Allele origin: germline. Affected: yes.

Illumina Laboratory Services, Illumina
Classification: Benign for Schwartz-Jampel syndrome type 1. Last evaluated: 2018-01-13. Review status: criteria provided, single submitter. Criteria: ICSL Variant Classification Criteria 13 December 2019. Collection method: clinical testing. Allele origin: germline.
Comment: This variant was observed in the ICSL laboratory as part of a predisposition screen in an ostensibly healthy population. It had not been previously curated by ICSL or reported in the Human Gene Mutation Database (HGMD: prior to June 1st, 2018), and was therefore a candidate for classification through an automated scoring system. Utilizing variant allele frequency, disease prevalence and penetrance estimates, and inheritance mode, an automated score was calculated to assess if this variant is too frequent to cause the disease. Based on the score and internal cut-off values, a variant classified as benign is not then subjected to further curation. The score for this variant resulted in a classification of benign for this disease.

Illumina Laboratory Services, Illumina
Classification: Benign for Lethal Kniest-like syndrome. Last evaluated: 2018-01-13. Review status: criteria provided, single submitter. Criteria: ICSL Variant Classification Criteria 13 December 2019. Collection method: clinical testing. Allele origin: germline.
Comment: the same text as in the submission from Illumina Laboratory Services, Illumina above.

Breakthrough Genomics
Classification: Benign. Review status: criteria provided, single submitter. Criteria: ACMG Guidelines, 2015. Collection method: not provided. Allele origin: germline. Inheritance: Autosomal recessive inheritance. Affected: yes.

NM_005529.7(HSPG2):c.1776C>T (p.His592=)

Gene: HSPG2 (heparan sulfate proteoglycan 2; minus strand). Cytogenetic location: 1p36.12.
Variant type: single nucleotide variant.
Coding change: c.1776C>T on transcript NM_005529.7 (MANE Select); coding-DNA position 1776, C replaced by T.
Protein change: p.His592=; no amino-acid change (histidine 592 retained).
Molecular consequence: synonymous variant.
Genome position (GRCh38, 1-based): chr1:21,881,381, G>A on the plus strand (C>T on the coding strand, the complement: HSPG2 is on the minus strand). VCF-style: chr1-21881381-G-A. GRCh37 (hg19) VCF-style: chr1-22207874-G-A.
Other names: c.1779C>T, p.His593= (NM_001291860.2).
Identifiers: ClinVar variation 295888 (VCV000295888.29), dbSNP rs62642536, ClinGen allele CA673305.
Genomic context (GRCh38, chr1:21,881,381, plus strand): 5'-GCAGCCCAGGCCCCTCACCTTGTTGCCCAGGAACTGTTCAGGCAGAGCCCAGAAGGAGTC[G>A]TGGACGAGGAAGCGGCGGGACAGGTCGACTAGCTGGAACTCGTGCAGGGATGGGTCGATC-3'
Protein context (NP_005520.4, residues 582-602): LVDLSRRFLV[His592=]DSFWALPEQF